The following is an entry in ClinVar:

NM_001378454.1(ALMS1):c.2943G>C (p.Met981Ile)

Gene: ALMS1 (ALMS1 centrosome and basal body associated protein; plus strand). Cytogenetic location: 2p13.1.
Variant type: single nucleotide variant.
Coding change: c.2943G>C on transcript NM_001378454.1 (MANE Select); coding-DNA position 2943, G replaced by C.
Protein change: p.Met981Ile; replaces methionine 981 with isoleucine.
Molecular consequence: missense variant.
Genome position (GRCh38, 1-based): chr2:73,449,470, G>C. VCF-style: chr2-73449470-G-C. GRCh37 (hg19) VCF-style: chr2-73676597-G-C.
Other names: c.2946G>C, p.Met982Ile (NM_015120.4); short protein forms M981I, M982I.
Identifiers: ClinVar variation 1357899 (VCV001357899.7), dbSNP rs757088179, ClinGen allele CA347273163.

ClinVar aggregate classification (germline): Uncertain significance. Review status: criteria provided, multiple submitters, no conflicts (2 of 4 stars). 2 submissions from 2 submitters: Uncertain significance (2). Last evaluated 2021-08-05.

Conditions:
Alstrom syndrome (ALMS). Identifiers: Orphanet 64, MedGen C0268425, MONDO:0008763, OMIM 203800.

Allele frequency attached by ClinVar (database versions not stated): TOPMed 0.00001.
gnomAD v4.1: 2 of 1,613,848 alleles (0.00012%); highest among the groups gnomAD compares: African/African-American, 0.0027%; no homozygotes.

Submissions (2):

Fulgent Genetics
Classification: Uncertain significance for Alstrom syndrome. Last evaluated: 2021-08-05. Review status: criteria provided, single submitter. Criteria: ACMG Guidelines, 2015. Collection method: clinical testing. Allele origin: unknown.

Labcorp Genetics (formerly Invitae), Labcorp
Classification: Uncertain significance for Alstrom syndrome. Last evaluated: 2021-06-10. Review status: criteria provided, single submitter. Criteria: Invitae Variant Classification Sherloc (09022015). Collection method: clinical testing. Allele origin: germline.
Comment: In summary, the available evidence is currently insufficient to determine the role of this variant in disease. Therefore, it has been classified as a Variant of Uncertain Significance. Experimental studies and prediction algorithms are not available or were not evaluated, and the functional significance of this variant is currently unknown. This variant has not been reported in the literature in individuals with ALMS1-related conditions. This variant is not present in population databases (ExAC no frequency). This sequence change replaces methionine with isoleucine at codon 982 of the ALMS1 protein (p.Met982Ile). The methionine residue is weakly conserved and there is a small physicochemical difference between methionine and isoleucine.